The following is an entry in ClinVar:

NM_000316.3(PTH1R):c.1049+6T>A

Gene: PTH1R (parathyroid hormone 1 receptor; plus strand). Cytogenetic location: 3p21.31.
Variant type: single nucleotide variant.
Coding change: c.1049+6T>A on transcript NM_000316.3 (MANE Select); 6 bases into the intron after coding-DNA position 1049, T replaced by A.
Molecular consequence: intron variant.
Genome position (GRCh38, 1-based): chr3:46,901,091, T>A. VCF-style: chr3-46901091-T-A. GRCh37 (hg19) VCF-style: chr3-46942581-T-A.
Other names: c.1049+6T>A (NM_001184744.1).
Identifiers: ClinVar variation 2430346 (VCV002430346.2), dbSNP rs2545045988, ClinGen allele CA2580069922.

ClinVar aggregate classification (germline): Uncertain significance (1 of 4 stars; one submission).

Submission:

Centre of Medical Genetics, University Hospital Muenster
Classification: Uncertain significance. Last evaluated: 2022-10-10. Review status: criteria provided, single submitter. Criteria: ACMG Guidelines, 2015. Collection method: clinical testing. Allele origin: unknown. Affected: yes. Observed: 1 variant allele, 1 heterozygote.
Comment: ACMG categories: PM2,PP3